The following is an entry in ClinVar:

ClinVar aggregate classification (germline): Conflicting classifications of pathogenicity. Review status: criteria provided, conflicting classifications (1 of 4 stars). 7 submissions from 7 submitters: Likely pathogenic (1); Uncertain significance (5). 1 of the submissions does not count toward it. Last evaluated 2024-11-27.

Conditions:
Atypical hemolytic-uremic syndrome with B factor anomaly. Also called: HEMOLYTIC UREMIC SYNDROME, ATYPICAL, SUSCEPTIBILITY TO, 4; AHUS, SUSCEPTIBILITY TO, 4. Identifiers: Orphanet 2134, MedGen C2752038, MONDO:0013042, OMIM 612924.
Complement factor b deficiency. Identifiers: MedGen C3809950, MONDO:0014255, OMIM 615561.
Age related macular degeneration 14. Also called: MACULAR DEGENERATION, AGE-RELATED, 14, REDUCED RISK OF. Identifiers: MedGen C3809653, MONDO:0014207, OMIM 615489.
Atypical hemolytic-uremic syndrome. Identifiers: Orphanet 2134, MedGen C2931788, MONDO:0016244.

Allele frequency attached by ClinVar (database versions not stated): gnomAD exomes 0.00001 and 0.00003; ExAC 0.00002; gnomAD 0.00004; TOPMed 0.00004.
gnomAD v4.1: 51 of 1,613,242 alleles (0.0032%); highest among the groups gnomAD compares: Non-Finnish European, 0.0042%; no homozygotes.

Submissions (7):

Labcorp Genetics (formerly Invitae), Labcorp
Classification: Uncertain significance. Last evaluated: 2024-11-27. Review status: criteria provided, single submitter. Criteria: Invitae Variant Classification Sherloc (09022015). Collection method: clinical testing. Allele origin: germline.
Comment: This sequence change replaces methionine, which is neutral and non-polar, with isoleucine, which is neutral and non-polar, at codon 458 of the CFB protein (p.Met458Ile). This variant is present in population databases (rs200837114, gnomAD 0.004%). This missense change has been observed in individual(s) with atypical hemolytic uremic syndrome (PMID: 20513133). This variant is also known as M433I. ClinVar contains an entry for this variant (Variation ID: 829990). Invitae Evidence Modeling of protein sequence and biophysical properties (such as structural, functional, and spatial information, amino acid conservation, physicochemical variation, residue mobility, and thermodynamic stability) indicates that this missense variant is not expected to disrupt CFB protein function with a negative predictive value of 80%. Experimental studies have shown that this missense change affects CFB function (PMID: 24652797). In summary, the available evidence is currently insufficient to determine the role of this variant in disease. Therefore, it has been classified as a Variant of Uncertain Significance.

Blueprint Genetics
Classification: Uncertain significance. Last evaluated: 2024-10-02. Review status: criteria provided, single submitter. Criteria: ACMG Guidelines, 2015. Collection method: clinical testing. Allele origin: germline.

Women's Health and Genetics/Laboratory Corporation of America, LabCorp
Classification: Uncertain significance. Last evaluated: 2024-05-03. Review status: criteria provided, single submitter. Criteria: LabCorp Variant Classification Summary - May 2015. Collection method: clinical testing. Allele origin: germline.
Comment: Variant summary: CFB c.1374G>A (p.Met458Ile; also known as M433I in the literature) results in a conservative amino acid change located in the von Willebrand factor, type A domain (IPR002035) of the encoded protein sequence. Four of five in-silico tools predict a benign effect of the variant on protein function. The variant allele was found at a frequency of 1.2e-05 in 247730 control chromosomes. c.1374G>A has been reported in the literature in individuals affected with genetic atypical hemolytic uremic syndrome (Maga_2010). These data do not allow any conclusion about variant significance. At least one publication reports experimental evidence evaluating an impact on protein function and the authors of this report have characterized the variant as a gain -of-function mutation (Marinozzi_2014). The following publications have been ascertained in the context of this evaluation (PMID: 24799305, 24906628, 36591303, 24652797, 35267578).ClinVar contains an entry for this variant (Variation ID: 829990). Based on the evidence outlined above, the variant was classified as VUS-possibly pathogenic.

MVZ Medizinische Genetik Mainz
Classification: Likely pathogenic for Atypical hemolytic-uremic syndrome with B factor anomaly. Last evaluated: 2024-03-21. Review status: criteria provided, single submitter. Criteria: UK Practice Guidelines For Variant Classification V4 01 2020. Collection method: clinical testing. Allele origin: germline. Inheritance: Autosomal dominant inheritance. Affected: yes. Observed: 1 variant allele.
Comment: ACMG Criteria: PS3,PS1_SUP,PS4_SUP,PM2_SUP

Fulgent Genetics
Classification: Uncertain significance for Atypical hemolytic-uremic syndrome with B factor anomaly; Age related macular degeneration 14; Complement factor b deficiency. Last evaluated: 2021-11-01. Review status: criteria provided, single submitter. Criteria: ACMG Guidelines, 2015. Collection method: clinical testing. Allele origin: unknown.

Genome Diagnostics Laboratory, The Hospital for Sick Children
Classification: Uncertain significance for Atypical hemolytic-uremic syndrome. Last evaluated: 2020-07-01. Review status: criteria provided, single submitter. Criteria: ACMG Guidelines, 2015. Collection method: clinical testing. Allele origin: germline.

Bioscientia Institut fuer Medizinische Diagnostik GmbH, Sonic Healthcare
Classification: Pathogenic for Atypical hemolytic-uremic syndrome with B factor anomaly. Last evaluated: 2019-07-02. Review status: no assertion criteria provided. Collection method: clinical testing. Allele origin: germline. Affected: yes. Not counted in ClinVar's aggregate classification.

Literature cited by the submitters: PubMed 20513133 (cited by Labcorp Genetics (formerly Invitae), Labcorp and Women's Health and Genetics/Laboratory Corporation of America, LabCorp); PubMed 24652797 (cited by Labcorp Genetics (formerly Invitae), Labcorp and Women's Health and Genetics/Laboratory Corporation of America, LabCorp); PubMed 24799305 (cited by Women's Health and Genetics/Laboratory Corporation of America, LabCorp); PubMed 24906628 (cited by Women's Health and Genetics/Laboratory Corporation of America, LabCorp); PubMed 36591303 (cited by Women's Health and Genetics/Laboratory Corporation of America, LabCorp); PubMed 35267578 (cited by Women's Health and Genetics/Laboratory Corporation of America, LabCorp).

NM_001710.6(CFB):c.1374G>A (p.Met458Ile)

Gene: CFB (complement factor B; plus strand). Cytogenetic location: 6p21.33.
Variant type: single nucleotide variant.
Coding change: c.1374G>A on transcript NM_001710.6 (MANE Select); coding-DNA position 1374, G replaced by A.
Protein change: p.Met458Ile; replaces methionine 458 with isoleucine.
Molecular consequence: missense variant.
Genome position (GRCh38, 1-based): chr6:31,949,523, G>A. VCF-style: chr6-31949523-G-A. GRCh37 (hg19) VCF-style: chr6-31917300-G-A.
Other names: short protein forms M458I.
Identifiers: ClinVar variation 829990 (VCV000829990.15), dbSNP rs200837114, ClinGen allele CA3728309.